The following is an entry in ClinVar:

NM_000091.5(COL4A3):c.100A>T (p.Lys34Ter)

Genes: COL4A3 (collagen type IV alpha 3 chain; plus strand), MFF-DT (MFF divergent transcript; minus strand). Cytogenetic location: 2q36.3.
Variant type: single nucleotide variant.
Coding change: c.100A>T on transcript NM_000091.5 (MANE Select); coding-DNA position 100, A replaced by T.
Protein change: p.Lys34Ter; replaces lysine 34 with a stop codon.
Molecular consequence: nonsense.
Genome position (GRCh38, 1-based): chr2:227,237,980, A>T. VCF-style: chr2-227237980-A-T. GRCh37 (hg19) VCF-style: chr2-228102696-A-T.
Other names: short protein forms K34*.
Identifiers: ClinVar variation 4817122 (VCV004817122.1).

ClinVar aggregate classification (germline): Likely pathogenic (1 of 4 stars; one submission).

Conditions:
Alport syndrome. Also called: Hemorrhagic familial nephritis; Hemorrhagic hereditary nephritis; Congenital hereditary hematuria. Identifiers: Orphanet 63, MedGen C1567741, MONDO:0018965.

Submission:

Natera, Inc.
Classification: Likely pathogenic for Alport syndrome. Last evaluated: 2025-03-27. Review status: criteria provided, single submitter. Criteria: Natera Variant Classification Schema (03/2026). Collection method: clinical testing. Allele origin: germline.
Comment: The c.100A>T variant in COL4A3 is a nonsense variant predicted to introduce a stop codon at amino acid 34. This variant is expected to result in nonsense mediated decay, truncation, or a dysfunctional protein product. This variant is rare in the general population with a frequency below the threshold expected for the associated phenotype(s). Given the available evidence, this variant is classified as Likely Pathogenic.